The following is an entry in ClinVar:

ClinVar aggregate classification (germline): Uncertain significance (1 of 4 stars; one submission).

Conditions:
Kabuki syndrome. Also called: Kabuki make-up syndrome; NIIKAWA-KUROKI SYNDROME. Identifiers: Orphanet 2322, MedGen C0796004, MONDO:0016512.

Allele frequency attached by ClinVar (database versions not stated): gnomAD 0.00001.
gnomAD v4.1: 4 of 1,604,784 alleles (0.00025%); highest among the groups gnomAD compares: Middle Eastern, 0.017%; no homozygotes.

Submission:

Labcorp Genetics (formerly Invitae), Labcorp
Classification: Uncertain significance for Kabuki syndrome. Last evaluated: 2024-01-04. Review status: criteria provided, single submitter. Criteria: Invitae Variant Classification Sherloc (09022015). Collection method: clinical testing. Allele origin: germline.
Comment: This sequence change replaces arginine, which is basic and polar, with tryptophan, which is neutral and slightly polar, at codon 5238 of the KMT2D protein (p.Arg5238Trp). This variant is not present in population databases (gnomAD no frequency). This variant has not been reported in the literature in individuals affected with KMT2D-related conditions. ClinVar contains an entry for this variant (Variation ID: 2419366). Advanced modeling of protein sequence and biophysical properties (such as structural, functional, and spatial information, amino acid conservation, physicochemical variation, residue mobility, and thermodynamic stability) performed at Invitae indicates that this missense variant is not expected to disrupt KMT2D protein function with a negative predictive value of 95%. In summary, the available evidence is currently insufficient to determine the role of this variant in disease. Therefore, it has been classified as a Variant of Uncertain Significance.

NM_003482.4(KMT2D):c.15712C>T (p.Arg5238Trp)

Gene: KMT2D (lysine methyltransferase 2D; minus strand). Cytogenetic location: 12q13.12.
Variant type: single nucleotide variant.
Coding change: c.15712C>T on transcript NM_003482.4 (MANE Select); coding-DNA position 15712, C replaced by T.
Protein change: p.Arg5238Trp; replaces arginine 5238 with tryptophan.
Molecular consequence: missense variant.
Genome position (GRCh38, 1-based): chr12:49,026,254, G>A on the plus strand (C>T on the coding strand, the complement: KMT2D is on the minus strand). VCF-style: chr12-49026254-G-A. GRCh37 (hg19) VCF-style: chr12-49420037-G-A.
Other names: short protein forms R5238W.
Identifiers: ClinVar variation 2419366 (VCV002419366.5), dbSNP rs1175643324, ClinGen allele CA384685376.